The following is an entry in ClinVar:

NM_005732.4(RAD50):c.3178T>A (p.Leu1060Met)

Gene: RAD50 (RAD50 double strand break repair protein; plus strand). Cytogenetic location: 5q31.1.
Variant type: single nucleotide variant.
Coding change: c.3178T>A on transcript NM_005732.4 (MANE Select); coding-DNA position 3178, T replaced by A.
Protein change: p.Leu1060Met; replaces leucine 1060 with methionine.
Molecular consequence: missense variant.
Genome position (GRCh38, 1-based): chr5:132,618,083, T>A. VCF-style: chr5-132618083-T-A. GRCh37 (hg19) VCF-style: chr5-131953775-T-A.
Other names: short protein forms L1060M.
Identifiers: ClinVar variation 220636 (VCV000220636.17), dbSNP rs864622614, ClinGen allele CA348405.
Genomic context (GRCh38, chr5:132,618,083, plus strand): 5'-TTAAAAGCTAAAAAATGGTCCTCATTTGTCATTTTTCTTTTTTACAGTGAACATCAGAAG[T>A]TGGAAGAGAACATAGACAATATAAAAAGAAATCATAATTTGGCATTAGGGCGACAGAAAG-3'
Protein context (NP_005723.2, residues 1050-1070): VLQMKSEHQK[Leu1060Met]EENIDNIKRN

ClinVar aggregate classification (germline): Uncertain significance. Review status: criteria provided, multiple submitters, no conflicts (2 of 4 stars). 4 submissions from 4 submitters: Uncertain significance (4). Last evaluated 2025-10-20.

Conditions:
Hereditary cancer-predisposing syndrome. Also called: Hereditary neoplastic syndrome; Tumor predisposition; Hereditary Cancer Syndrome; Neoplastic Syndromes, Hereditary. Identifiers: Orphanet 140162, MedGen C0027672, MeSH D009386, MONDO:0015356.
Nijmegen breakage syndrome-like disorder (NBSLD). Also called: MICROCEPHALY AND SPONTANEOUS CHROMOSOME INSTABILITY WITHOUT IMMUNODEFICIENCY; NBS-LIKE DISORDER; RAD50 DEFICIENCY. Identifiers: Orphanet 240760, MedGen C2751318, MONDO:0013118, OMIM 613078.

Allele frequency attached by ClinVar (database versions not stated): gnomAD exomes below 0.00001 and 0.00002; TOPMed 0.00001; gnomAD 0.00002.
gnomAD v4.1: 27 of 1,613,020 alleles (0.0017%); highest among the groups gnomAD compares: Non-Finnish European, 0.0022%; no homozygotes.

Submissions (4):

Labcorp Genetics (formerly Invitae), Labcorp
Classification: Uncertain significance for Hereditary cancer-predisposing syndrome. Last evaluated: 2025-10-20. Review status: criteria provided, single submitter. Criteria: Invitae Variant Classification Sherloc (09022015). Collection method: clinical testing. Allele origin: germline.
Comment: This sequence change replaces leucine, which is neutral and non-polar, with methionine, which is neutral and non-polar, at codon 1060 of the RAD50 protein (p.Leu1060Met). This variant is present in population databases (no rsID available, gnomAD 0.0009%). This variant has not been reported in the literature in individuals affected with RAD50-related conditions. ClinVar contains an entry for this variant (Variation ID: 220636). Invitae Evidence Modeling of protein sequence and biophysical properties (such as structural, functional, and spatial information, amino acid conservation, physicochemical variation, residue mobility, and thermodynamic stability) indicates that this missense variant is not expected to disrupt RAD50 protein function with a negative predictive value of 80%. In summary, the available evidence is currently insufficient to determine the role of this variant in disease. Therefore, it has been classified as a Variant of Uncertain Significance.

Ambry Genetics
Classification: Uncertain significance for Hereditary cancer-predisposing syndrome. Last evaluated: 2025-08-20. Review status: criteria provided, single submitter. Criteria: Ambry Variant Classification Scheme 2023. Collection method: clinical testing. Allele origin: germline.
Comment: The p.L1060M variant (also known as c.3178T>A), located in coding exon 21 of the RAD50 gene, results from a T to A substitution at nucleotide position 3178. The leucine at codon 1060 is replaced by methionine, an amino acid with highly similar properties. This amino acid position is well conserved in available vertebrate species. In addition, this alteration is predicted to be tolerated by in silico analysis. Since supporting evidence is limited at this time, the clinical significance of this alteration remains unclear.

Women's Health and Genetics/Laboratory Corporation of America, LabCorp
Classification: Uncertain significance. Last evaluated: 2025-02-09. Review status: criteria provided, single submitter. Criteria: LabCorp Variant Classification Summary - May 2015. Collection method: clinical testing. Allele origin: germline.

Baylor Genetics
Classification: Uncertain significance for Nijmegen breakage syndrome-like disorder. Last evaluated: 2024-01-08. Review status: criteria provided, single submitter. Criteria: ACMG Guidelines, 2015. Collection method: clinical testing. Allele origin: unknown.